The following is an entry in ClinVar:

NM_024312.5(GNPTAB):c.2830A>C (p.Ser944Arg)

Gene: GNPTAB (N-acetylglucosamine-1-phosphate transferase subunits alpha and beta; minus strand). Cytogenetic location: 12q23.2.
Variant type: single nucleotide variant.
Coding change: c.2830A>C on transcript NM_024312.5 (MANE Select); coding-DNA position 2830, A replaced by C.
Protein change: p.Ser944Arg; replaces serine 944 with arginine.
Molecular consequence: missense variant.
Genome position (GRCh38, 1-based): chr12:101,761,649, T>G on the plus strand (A>C on the coding strand, the complement: GNPTAB is on the minus strand). VCF-style: chr12-101761649-T-G. GRCh37 (hg19) VCF-style: chr12-102155427-T-G.
Other names: short protein forms S944R.
Identifiers: ClinVar variation 2103619 (VCV002103619.4), dbSNP rs1952998240, ClinGen allele CA386296263.

ClinVar aggregate classification (germline): Uncertain significance (1 of 4 stars; one submission).

Conditions:
Mucolipidosis type II. Also called: Mucolipidosis 2; ML 2; Inclusion cell disease; Leroy Disease; N-acetylglucosamine 1phosphotransferase deficiency; ML disorder type 2. Identifiers: Orphanet 576, MedGen C2673377, MONDO:0009650, OMIM 252500.
Pseudo-Hurler polydystrophy. Also called: ML IIIA; Mucolipidosis III Alpha/Beta; MUCOLIPIDOSIS IIIA; ML III; ML III ALPHA/BETA; Type III Mucolipidosis. Identifiers: Orphanet 423461, Orphanet 577, MedGen C0033788, MONDO:0018931, OMIM 252600.

Submission:

Labcorp Genetics (formerly Invitae), Labcorp
Classification: Uncertain significance for Pseudo-Hurler polydystrophy; Mucolipidosis type II. Last evaluated: 2024-01-24. Review status: criteria provided, single submitter. Criteria: Invitae Variant Classification Sherloc (09022015). Collection method: clinical testing. Allele origin: germline.
Comment: This sequence change replaces serine, which is neutral and polar, with arginine, which is basic and polar, at codon 944 of the GNPTAB protein (p.Ser944Arg). This variant is not present in population databases (gnomAD no frequency). This variant has not been reported in the literature in individuals affected with GNPTAB-related conditions. ClinVar contains an entry for this variant (Variation ID: 2103619). Advanced modeling of protein sequence and biophysical properties (such as structural, functional, and spatial information, amino acid conservation, physicochemical variation, residue mobility, and thermodynamic stability) performed at Invitae indicates that this missense variant is not expected to disrupt GNPTAB protein function with a negative predictive value of 80%. In summary, the available evidence is currently insufficient to determine the role of this variant in disease. Therefore, it has been classified as a Variant of Uncertain Significance.